The following is an entry in ClinVar:

NM_007332.3(TRPA1):c.2704T>C (p.Leu902=)

Genes: MSC-AS1 (MSC antisense RNA 1; plus strand), TRPA1 (transient receptor potential cation channel subfamily A member 1; minus strand), LOC126860417 (BRD4-independent group 4 enhancer GRCh37_chr8:72945660-72946859; plus strand). Cytogenetic location: 8q21.11.
Variant type: single nucleotide variant.
Coding change: c.2704T>C on transcript NM_007332.3 (MANE Select); coding-DNA position 2704, T replaced by C.
Protein change: p.Leu902=; no amino-acid change (leucine 902 retained).
Molecular consequence: synonymous variant.
Genome position (GRCh38, 1-based): chr8:72,033,808, A>G on the plus strand (T>C on the coding strand, the complement: TRPA1 is on the minus strand). VCF-style: chr8-72033808-A-G. GRCh37 (hg19) VCF-style: chr8-72946043-A-G.
Identifiers: ClinVar variation 4533557 (VCV004533557.6).

ClinVar aggregate classification (germline): Likely benign (1 of 4 stars; one submission).

Submission:

CeGaT Center for Human Genetics Tuebingen
Classification: Likely benign. Last evaluated: 2025-10-01. Review status: criteria provided, single submitter. Criteria: CeGaT Center For Human Genetics Tuebingen Variant Classification Criteria Version 2. Collection method: clinical testing. Allele origin: germline. Affected: yes. Observed: 1 variant allele.
Comment: TRPA1: BP4, BP7